The following is an entry in ClinVar:

NM_000138.5(FBN1):c.4991ACA[1] (p.Asn1665del)

Gene: FBN1 (fibrillin 1; minus strand). Cytogenetic location: 15q21.1.
Variant type: Microsatellite.
Coding change: c.4991ACA[1] on transcript NM_000138.5 (MANE Select); one copy of the 3-base unit ACA starting at c.4991; the reference has two copies in a row; one copy, 3 bases deleted.
Protein change: p.Asn1665del; deletes asparagine 1665.
Molecular consequence: inframe deletion.
Genome position (GRCh38, 1-based): chr15:48,463,968-48,463,970, TGT deleted on the plus strand (ACA on the coding strand, the reverse complement: FBN1 is on the minus strand); deleting any 3 consecutive bases within chr15:48,463,968-48,463,973 gives the same sequence; the position shown is the placement nearest the transcript's 3' end. VCF-style (leftmost placement, unchanged base first): chr15-48463967-GTGT-G. GRCh37 (hg19) VCF-style: chr15-48756164-GTGT-G.
Other names: c.4991ACA[1], p.Asn1665del (NM_001406716.1); short protein forms N1665del.
Identifiers: ClinVar variation 3754490 (VCV003754490.2).

ClinVar aggregate classification (germline): Pathogenic (1 of 4 stars; one submission).

Conditions:
Marfan syndrome (MFS). Also called: MARFAN SYNDROME, TYPE I; Marfan syndrome type 1; Marfan's syndrome; Marfan syndrome, classic; FBN1-Related Marfan Syndrome. Identifiers: Orphanet 284963, Orphanet 558, MedGen C0024796, MONDO:0007947, OMIM 154700.
Familial thoracic aortic aneurysm and aortic dissection (TAAD). Also called: Thoracic aortic aneurysms and dissections. Identifiers: Orphanet 91387, MedGen C4707243, MONDO:0019625.

Submission:

Labcorp Genetics (formerly Invitae), Labcorp
Classification: Pathogenic for Marfan syndrome; Familial thoracic aortic aneurysm and aortic dissection. Last evaluated: 2024-05-17. Review status: criteria provided, single submitter. Criteria: Invitae Variant Classification Sherloc (09022015). Collection method: clinical testing. Allele origin: germline.
Comment: This variant, c.4994_4996del, results in the deletion of 1 amino acid(s) of the FBN1 protein (p.Asn1665del), but otherwise preserves the integrity of the reading frame. This variant is not present in population databases (gnomAD no frequency). This variant has not been reported in the literature in individuals affected with FBN1-related conditions. This variant disrupts a region of the FBN1 protein in which other variant(s) (p.Asn1665Thr) have been determined to be pathogenic (Invitae). This suggests that this is a clinically significant region of the protein, and that variants that disrupt it are likely to be disease-causing. For these reasons, this variant has been classified as Pathogenic.